The following is an entry in ClinVar:

NM_012213.3(MLYCD):c.528+29G>T

Genes: MLYCD (malonyl-CoA decarboxylase; plus strand), LOC130059555 (ATAC-STARR-seq lymphoblastoid silent region 7770; plus strand). Cytogenetic location: 16q23.3.
Variant type: single nucleotide variant.
Coding change: c.528+29G>T on transcript NM_012213.3 (MANE Select); 29 bases into the intron after coding-DNA position 528, G replaced by T.
Molecular consequence: intron variant.
Genome position (GRCh38, 1-based): chr16:83,899,701, G>T. VCF-style: chr16-83899701-G-T. GRCh37 (hg19) VCF-style: chr16-83933306-G-T.
Other names: p.?.
Identifiers: ClinVar variation 4684110 (VCV004684110.1).

ClinVar aggregate classification (germline): Likely benign (1 of 4 stars; one submission).

gnomAD v4.1: 6 of 1,489,290 alleles (0.0004%); highest among the groups gnomAD compares: Admixed American, 0.013%; no homozygotes.

Submission:

Mayo Clinic Laboratories, Mayo Clinic
Classification: Likely benign. Last evaluated: 2025-05-06. Review status: criteria provided, single submitter. Criteria: ACMG Guidelines, 2015. Collection method: clinical testing. Allele origin: germline. Observed: 1 variant allele.
Comment: BP4, BP7, PM2_supporting